The following is an entry in ClinVar:

NM_001386298.1(CIC):c.5080del (p.Ala1694fs)

Gene: CIC (capicua transcriptional repressor; plus strand). Cytogenetic location: 19q13.2.
Variant type: Deletion.
Coding change: c.5080del on transcript NM_001386298.1 (MANE Select); coding-DNA position 5080, one base deleted (G; older notation c.5080delG).
Protein change: p.Ala1694fs; shifts the reading frame from alanine 1694.
Molecular consequence: frameshift variant.
Genome position (GRCh38, 1-based): chr19:42,291,121, G deleted; the last of 5 consecutive G bases (chr19:42,291,117-42,291,121); deleting any one gives the same sequence. VCF-style (leftmost placement, unchanged base first): chr19-42291116-AG-A. GRCh37 (hg19) VCF-style: chr19-42795268-AG-A.
Other names: c.5080del, p.Ala1694fs (NM_001304815.2, NM_001379480.1, NM_001379482.1 and 6 more transcripts); c.2353del, p.Ala785fs (NM_001379484.1, NM_001379485.1, NM_001439189.1 and 3 more transcripts); short protein forms A1694fs, A785fs.
Identifiers: ClinVar variation 4759240 (VCV004759240.1).
Genomic context (GRCh38, chr19:42,291,116, plus strand): 5'-TACTGGTGGGCACCCCGGGGTATGGGGCCCCTGCGCCCCCTGCTGTCCAGTTCATTGCCC[AG>A]GGGGCCCCTGGTGGTGGGACCACTGCGGGCTCAGGAGCAGGTGCTGGGAGTGGCCCCAAT-3'

ClinVar aggregate classification (germline): Likely pathogenic (1 of 4 stars; one submission).

Conditions:
Intellectual developmental disorder, autosomal dominant 45. Also called: MENTAL RETARDATION, AUTOSOMAL DOMINANT 45; Intellectual disability, autosomal dominant 45. Identifiers: MedGen C4539848, MONDO:0030910, OMIM 617600.

Submission:

Variantyx, Inc.
Classification: Likely pathogenic for Intellectual developmental disorder, autosomal dominant 45. Last evaluated: 2025-03-25. Review status: criteria provided, single submitter. Criteria: Variantyx Assertion Criteria 2022. Collection method: clinical testing. Allele origin: maternal. Affected: yes.
Comment: This is a frameshift variant in the CIC gene (OMIM: 612082). Pathogenic variants in this gene have been associated with autosomal dominant intellectual developmental disorder 45. Inter- and intrafamilial clinical variability has been described (PMID: 39596625). This variant introduces a premature termination codon in exon 11 out of 21. It is expected to result in loss of function, which is a known disease mechanism for CIC in this disorder (PMID: 28288114) (PVS1). This variant is absent from control populations (PM2_Supporting). This variant has not been reported in individuals with CIC-related disorders in the databases available for review. Based on the current evidence, this variant is classified as likely pathogenic for autosomal dominant intellectual developmental disorder 45.